The following is an entry in ClinVar:

ClinVar aggregate classification (germline): Conflicting classifications of pathogenicity. Review status: criteria provided, conflicting classifications (1 of 4 stars). 3 submissions from 3 submitters: Likely pathogenic (1); Uncertain significance (2). Last evaluated 2026-02-03.

gnomAD v4.1: 1 of 1,613,064 alleles (0.000062%); highest among the groups gnomAD compares: Middle Eastern, 0.017%; no homozygotes.

Submissions (3):

Labcorp Genetics (formerly Invitae), Labcorp
Classification: Uncertain significance. Last evaluated: 2026-02-03. Review status: criteria provided, single submitter. Criteria: Invitae Variant Classification Sherloc (09022015). Collection method: clinical testing. Allele origin: germline.
Comment: This sequence change replaces phenylalanine, which is neutral and non-polar, with valine, which is neutral and non-polar, at codon 447 of the LZTR1 protein (p.Phe447Val). This variant is not present in population databases (gnomAD no frequency). This variant has not been reported in the literature in individuals affected with LZTR1-related conditions. ClinVar contains an entry for this variant (Variation ID: 928715). Invitae Evidence Modeling of protein sequence and biophysical properties (such as structural, functional, and spatial information, amino acid conservation, physicochemical variation, residue mobility, and thermodynamic stability) indicates that this missense variant is not expected to disrupt LZTR1 protein function with a negative predictive value of 80%. In summary, the available evidence is currently insufficient to determine the role of this variant in disease. Therefore, it has been classified as a Variant of Uncertain Significance.

GeneDx
Classification: Likely pathogenic. Last evaluated: 2023-07-29. Review status: criteria provided, single submitter. Criteria: GeneDx Variant Classification Process June 2021. Collection method: clinical testing. Allele origin: germline. Affected: yes.
Comment: Not observed at significant frequency in large population cohorts (gnomAD); In silico analysis supports that this missense variant has a deleterious effect on protein structure/function; Has not been previously published as pathogenic or benign to our knowledge

Women's Health and Genetics/Laboratory Corporation of America, LabCorp
Classification: Uncertain significance. Last evaluated: 2019-12-16. Review status: criteria provided, single submitter. Criteria: LabCorp Variant Classification Summary - May 2015. Collection method: clinical testing. Allele origin: germline.
Comment: Variant summary: LZTR1 c.1339T>G (p.Phe447Val) results in a non-conservative amino acid change located in the BTB/POZ domain (IPR000210) of the encoded protein sequence. Four of five in-silico tools predict a damaging effect of the variant on protein function. The variant was absent in 248652 control chromosomes. The available data on variant occurrences in the general population are insufficient to allow any conclusion about variant significance. To our knowledge, no occurrence of c.1339T>G in individuals affected with Noonan Syndrome and Related Conditions and no experimental evidence demonstrating its impact on protein function have been reported. No clinical diagnostic laboratories have submitted clinical-significance assessments for this variant to ClinVar after 2014. Based on the evidence outlined above, the variant was classified as uncertain significance.

NM_006767.4(LZTR1):c.1339T>G (p.Phe447Val)

Gene: LZTR1 (leucine zipper like post translational regulator 1; plus strand). Cytogenetic location: 22q11.21.
Variant type: single nucleotide variant.
Coding change: c.1339T>G on transcript NM_006767.4 (MANE Select); coding-DNA position 1339, T replaced by G.
Protein change: p.Phe447Val; replaces phenylalanine 447 with valine.
Molecular consequence: missense variant.
Genome position (GRCh38, 1-based): chr22:20,993,740, T>G. VCF-style: chr22-20993740-T-G. GRCh37 (hg19) VCF-style: chr22-21348029-T-G.
Other names: short protein forms F447V.
Identifiers: ClinVar variation 928715 (VCV000928715.5), dbSNP rs1312334046, ClinGen allele CA410774704.
Genomic context (GRCh38, chr22:20,993,740, plus strand): 5'-TGCACGCTGCACGAGGACTACGGGCGGCTGTGGGAGAGCCGCCAGTTCTGCGACGTGGAG[T>G]TCGTGCTGGGTGAGGTGGGTGCCTGTCCTCGCACCCTGCTCTGCCTGCTGTGCCTGGGCA-3'
Protein context (NP_006758.2, residues 437-457): WESRQFCDVE[Phe447Val]VLGEKEECVQ